The following is an entry in ClinVar:

NM_001283009.2(RTEL1):c.2985C>A (p.Asp995Glu)

Genes: RTEL1 (regulator of telomere elongation helicase 1; plus strand), RTEL1-TNFRSF6B (RTEL1-TNFRSF6B readthrough (NMD candidate); plus strand). Cytogenetic location: 20q13.33.
Variant type: single nucleotide variant.
Coding change: c.2985C>A on transcript NM_001283009.2 (MANE Select); coding-DNA position 2985, C replaced by A.
Protein change: p.Asp995Glu; replaces aspartic acid 995 with glutamic acid.
Molecular consequence: missense variant. On other transcripts: non-coding transcript variant (1).
Genome position (GRCh38, 1-based): chr20:63,693,276, C>A. VCF-style: chr20-63693276-C-A. GRCh37 (hg19) VCF-style: chr20-62324629-C-A.
Other names: c.2316C>A, p.Asp772Glu (NM_001283010.1); c.2985C>A, p.Asp995Glu (NM_016434.4); c.3057C>A, p.Asp1019Glu (NM_032957.5); short protein forms D772E, D995E, D1019E.
Identifiers: ClinVar variation 1360044 (VCV001360044.7), dbSNP rs762474261, ClinGen allele CA9965691.

ClinVar aggregate classification (germline): Uncertain significance. Review status: criteria provided, multiple submitters, no conflicts (2 of 4 stars). 3 submissions from 3 submitters: Uncertain significance (3). Last evaluated 2025-03-24.

Conditions:
Inborn genetic diseases. Identifiers: MedGen C0950123, MeSH D030342.
Pulmonary fibrosis and/or bone marrow failure, Telomere-related, 3. Also called: PULMONARY FIBROSIS AND/OR BONE MARROW FAILURE SYNDROME, TELOMERE-RELATED, 3. Identifiers: Orphanet 2032, MedGen C4225346, MONDO:0014613, OMIM 616373.
Dyskeratosis congenita, autosomal recessive 5 (DKCB5). Identifiers: MedGen C3554656, MONDO:0014076, OMIM 615190.

gnomAD v4.1: 61 of 1,611,620 alleles (0.0038%); highest among the groups gnomAD compares: East Asian, 0.098%; no homozygotes.

Submissions (3):

Labcorp Genetics (formerly Invitae), Labcorp
Classification: Uncertain significance for Dyskeratosis congenita, autosomal recessive 5; Pulmonary fibrosis and/or bone marrow failure, Telomere-related, 3. Last evaluated: 2025-03-24. Review status: criteria provided, single submitter. Criteria: Invitae Variant Classification Sherloc (09022015). Collection method: clinical testing. Allele origin: germline.
Comment: This sequence change replaces aspartic acid, which is acidic and polar, with glutamic acid, which is acidic and polar, at codon 995 of the RTEL1 protein (p.Asp995Glu). This variant is present in population databases (rs762474261, gnomAD 0.06%). This variant has not been reported in the literature in individuals affected with RTEL1-related conditions. ClinVar contains an entry for this variant (Variation ID: 1360044). An algorithm developed to predict the effect of missense changes on protein structure and function outputs the following: PolyPhen-2: "Benign". The glutamic acid amino acid residue is found in multiple mammalian species, which suggests that this missense change does not adversely affect protein function. In summary, the available evidence is currently insufficient to determine the role of this variant in disease. Therefore, it has been classified as a Variant of Uncertain Significance.

Ambry Genetics
Classification: Uncertain significance for Inborn genetic diseases. Last evaluated: 2024-11-26. Review status: criteria provided, single submitter. Criteria: Ambry Variant Classification Scheme 2023. Collection method: clinical testing. Allele origin: germline.
Comment: The p.D995E variant (also known as c.2985C>A), located in coding exon 29 of the RTEL1 gene, results from a C to A substitution at nucleotide position 2985. The aspartic acid at codon 995 is replaced by glutamic acid, an amino acid with highly similar properties. This amino acid position is conserved. In addition, this alteration is predicted to be tolerated by in silico analysis. Based on the available evidence, the clinical significance of this variant remains unclear.

Fulgent Genetics
Classification: Uncertain significance for Dyskeratosis congenita, autosomal recessive 5; Pulmonary fibrosis and/or bone marrow failure, Telomere-related, 3. Last evaluated: 2024-03-28. Review status: criteria provided, single submitter. Criteria: ACMG Guidelines, 2015. Collection method: clinical testing. Allele origin: germline.